The following is an entry in ClinVar:

ClinVar aggregate classification (germline): Uncertain significance. Review status: criteria provided, multiple submitters, no conflicts (2 of 4 stars). 2 submissions from 2 submitters: Uncertain significance (2). Last evaluated 2024-02-15.

Conditions:
Hereditary breast ovarian cancer syndrome. Also called: Hereditary breast and/or ovarian cancer syndrome; Hereditary breast and ovarian cancer; Breast and ovarian cancer; Hereditary breast and ovarian cancer syndrome; Hereditary breast and ovarian cancer syndrome (HBOC); BRCA1- and BRCA2-Associated Hereditary Breast and Ovarian Cancer. Identifiers: Orphanet 145, MedGen C0677776, MeSH D061325, MONDO:0003582. Disease mechanism: loss of function.

Allele frequency attached by ClinVar (database versions not stated): gnomAD exomes below 0.00001.
gnomAD v4.1: 1 of 1,613,950 alleles (0.000062%); highest among the groups gnomAD compares: Admixed American, 0.0017%; no homozygotes.

Submissions (2):

Labcorp Genetics (formerly Invitae), Labcorp
Classification: Uncertain significance for Hereditary breast ovarian cancer syndrome. Last evaluated: 2024-02-15. Review status: criteria provided, single submitter. Criteria: Invitae Variant Classification Sherloc (09022015). Collection method: clinical testing. Allele origin: germline.
Comment: This sequence change replaces aspartic acid, which is acidic and polar, with tyrosine, which is neutral and polar, at codon 1337 of the BRCA1 protein (p.Asp1337Tyr). This variant is present in population databases (no rsID available, gnomAD 0.003%). This variant has not been reported in the literature in individuals affected with BRCA1-related conditions. ClinVar contains an entry for this variant (Variation ID: 2580697). Advanced modeling of protein sequence and biophysical properties (such as structural, functional, and spatial information, amino acid conservation, physicochemical variation, residue mobility, and thermodynamic stability) performed at Invitae indicates that this missense variant is not expected to disrupt BRCA1 protein function with a negative predictive value of 95%. In summary, the available evidence is currently insufficient to determine the role of this variant in disease. Therefore, it has been classified as a Variant of Uncertain Significance.

GeneDx
Classification: Uncertain significance. Last evaluated: 2023-03-22. Review status: criteria provided, single submitter. Criteria: GeneDx Variant Classification Process June 2021. Collection method: clinical testing. Allele origin: germline. Affected: yes.
Comment: Not observed at significant frequency in large population cohorts (gnomAD); In silico analysis supports that this missense variant does not alter protein structure/function; Has not been previously published as pathogenic or benign to our knowledge; Also known as 4128G>T; This variant is associated with the following publications: (PMID: 22737296, 15343273)

NM_007294.4(BRCA1):c.4009G>T (p.Asp1337Tyr)

Genes: BRCA1 (BRCA1 DNA repair associated; minus strand), LOC126862571 (BRD4-independent group 4 enhancer GRCh37_chr17:41243136-41244335; plus strand). Cytogenetic location: 17q21.31.
Variant type: single nucleotide variant.
Coding change: c.4009G>T on transcript NM_007294.4 (MANE Select); coding-DNA position 4009, G replaced by T.
Protein change: p.Asp1337Tyr; replaces aspartic acid 1337 with tyrosine.
Molecular consequence: missense variant. On other transcripts: intron variant (135).
Genome position (GRCh38, 1-based): chr17:43,091,522, C>A on the plus strand (G>T on the coding strand, the complement: BRCA1 is on the minus strand). VCF-style: chr17-43091522-C-A. GRCh37 (hg19) VCF-style: chr17-41243539-C-A.
Other names: c.3865G>T, p.Asp1289Tyr (NM_001407745.1, NM_001407746.1, NM_001407845.1 and 20 more transcripts); c.3868G>T, p.Asp1290Tyr (NM_001407750.1, NM_001407751.1, NM_001407752.1 and 29 more transcripts); c.665-490G>T (NM_001408443.1, NM_001408439.1, NM_001408425.1 and 12 more transcripts); c.671-490G>T (NM_001408419.1, NM_001408422.1, NM_001408418.1 and 2 more transcripts); c.788-490G>T (NM_001408403.1, NM_001407983.1, NM_001407975.1 and 17 more transcripts); c.791-499G>T (NM_001408406.1); c.647-490G>T (NM_001408456.1, NM_001408410.1, NM_001408458.1 and 11 more transcripts); c.644-490G>T (NM_001408465.1, NM_001408463.1, NM_001408462.1 and 3 more transcripts); and 41 more; short protein forms D1041Y, D1169Y, D1209Y, D1210Y, D1225Y, D1226Y, D1248Y, D1249Y.
Identifiers: ClinVar variation 2580697 (VCV002580697.3), dbSNP rs886041144, ClinGen allele CA10593942.